The following is an entry in ClinVar:

NM_001376.5(DYNC1H1):c.3734A>G (p.Gln1245Arg)

Gene: DYNC1H1 (dynein cytoplasmic 1 heavy chain 1; plus strand). Cytogenetic location: 14q32.31.
Variant type: single nucleotide variant.
Coding change: c.3734A>G on transcript NM_001376.5 (MANE Select); coding-DNA position 3734, A replaced by G.
Protein change: p.Gln1245Arg; replaces glutamine 1245 with arginine.
Molecular consequence: missense variant.
Genome position (GRCh38, 1-based): chr14:101,997,204, A>G. VCF-style: chr14-101997204-A-G. GRCh37 (hg19) VCF-style: chr14-102463541-A-G.
Other names: short protein forms Q1245R.
Identifiers: ClinVar variation 1521755 (VCV001521755.11), dbSNP rs2141282700, ClinGen allele CA391036237.
Genomic context (GRCh38, chr14:101,997,204, plus strand): 5'-TGCGGCGAAAGGACTCTGCCATTCAGCAGCAGGTGGCAAACCTGCAAATGAAGATTGTCC[A>G]GGAGGATCGGGCCGTGGAAAGCCGCACCACCGACCTGCTGACTGACTGGGAGAAGACCAA-3'
Protein context (NP_001367.2, residues 1235-1255): QVANLQMKIV[Gln1245Arg]EDRAVESRTT

ClinVar aggregate classification (germline): Uncertain significance. Review status: criteria provided, multiple submitters, no conflicts (2 of 4 stars). 3 submissions from 3 submitters: Uncertain significance (3). Last evaluated 2026-08-01.

Conditions:
Inborn genetic diseases. Identifiers: MedGen C0950123, MeSH D030342.
Charcot-Marie-Tooth disease axonal type 2O. Also called: Charcot-Marie-Tooth Neuropathy Type 2O; CHARCOT-MARIE-TOOTH NEUROPATHY, AXONAL, TYPE 2O; CHARCOT-MARIE-TOOTH DISEASE, AXONAL, AUTOSOMAL DOMINANT, TYPE 2O; Charcot-Marie-Tooth disease, axonal, type 20. Identifiers: Orphanet 284232, MedGen C3280220, MONDO:0013644, OMIM 614228.

Allele frequency attached by ClinVar (database versions not stated): gnomAD exomes below 0.00001.
gnomAD v4.1: 1 of 1,614,142 alleles (0.000062%); highest among the groups gnomAD compares: Non-Finnish European, 0.000085%; no homozygotes.

Submissions (3):

CeGaT Center for Human Genetics Tuebingen
Classification: Uncertain significance. Last evaluated: 2026-08-01. Review status: criteria provided, single submitter. Criteria: CeGaT Center For Human Genetics Tuebingen Variant Classification Criteria Version 2. Collection method: clinical testing. Allele origin: germline. Affected: yes. Observed: 1 variant allele.
Comment: DYNC1H1: PM2

Labcorp Genetics (formerly Invitae), Labcorp
Classification: Uncertain significance for Charcot-Marie-Tooth disease axonal type 2O. Last evaluated: 2026-02-01. Review status: criteria provided, single submitter. Criteria: Invitae Variant Classification Sherloc (09022015). Collection method: clinical testing. Allele origin: germline.
Comment: This sequence change replaces glutamine, which is neutral and polar, with arginine, which is basic and polar, at codon 1245 of the DYNC1H1 protein (p.Gln1245Arg). This variant is not present in population databases (gnomAD no frequency). This variant has not been reported in the literature in individuals affected with DYNC1H1-related conditions. ClinVar contains an entry for this variant (Variation ID: 1521755). Invitae Evidence Modeling of protein sequence and biophysical properties (such as structural, functional, and spatial information, amino acid conservation, physicochemical variation, residue mobility, and thermodynamic stability) indicates that this missense variant is not expected to disrupt DYNC1H1 protein function with a negative predictive value of 95%. In summary, the available evidence is currently insufficient to determine the role of this variant in disease. Therefore, it has been classified as a Variant of Uncertain Significance.

Ambry Genetics
Classification: Uncertain significance for Inborn genetic diseases. Last evaluated: 2017-06-23. Review status: criteria provided, single submitter. Criteria: Ambry Variant Classification Scheme 2023. Collection method: clinical testing. Allele origin: germline.
Comment: The p.Q1245R variant (also known as c.3734A>G), located in coding exon 16 of the DYNC1H1 gene, results from an A to G substitution at nucleotide position 3734. The glutamine at codon 1245 is replaced by arginine, an amino acid with highly similar properties. This amino acid position is highly conserved in available vertebrate species. In addition, the in silico prediction for this alteration is inconclusive. Since supporting evidence is limited at this time, the clinical significance of this alteration remains unclear.